The following is an entry in ClinVar:

NM_001378454.1(ALMS1):c.12346A>T (p.Ile4116Phe)

Gene: ALMS1 (ALMS1 centrosome and basal body associated protein; plus strand). Cytogenetic location: 2p13.1.
Variant type: single nucleotide variant.
Coding change: c.12346A>T on transcript NM_001378454.1 (MANE Select); coding-DNA position 12346, A replaced by T.
Protein change: p.Ile4116Phe; replaces isoleucine 4116 with phenylalanine.
Molecular consequence: missense variant.
Genome position (GRCh38, 1-based): chr2:73,603,288, A>T. VCF-style: chr2-73603288-A-T. GRCh37 (hg19) VCF-style: chr2-73830415-A-T.
Other names: c.12349A>T, p.Ile4117Phe (NM_015120.4); short protein forms I4116F, I4117F.
Identifiers: ClinVar variation 2156911 (VCV002156911.1), dbSNP rs1415324995, ClinGen allele CA347271514.
Genomic context (GRCh38, chr2:73,603,288, plus strand): 5'-TTCTCTTGCCTAGTCTTCCTGGCTATCCAGAAGAACAAGCCTATCAGCAAGAAGGAAATG[A>T]TTCAGAGGTCCAAACGGTAAGACCAAGAAAACAAGAGTACGTATACAAGTGTAAACCAGG-3'
Protein context (NP_001365383.1, residues 4106-4126): KNKPISKKEM[Ile4116Phe]QRSKRIYEQL

ClinVar aggregate classification (germline): Uncertain significance (1 of 4 stars; one submission).

Conditions:
Alstrom syndrome (ALMS). Identifiers: Orphanet 64, MedGen C0268425, MONDO:0008763, OMIM 203800.

Allele frequency attached by ClinVar (database versions not stated): gnomAD exomes below 0.00001.
gnomAD v4.1: 2 of 1,614,166 alleles (0.00012%); highest among the groups gnomAD compares: African/African-American, 0.0027%; no homozygotes.

Submission:

Labcorp Genetics (formerly Invitae), Labcorp
Classification: Uncertain significance for Alstrom syndrome. Last evaluated: 2022-06-22. Review status: criteria provided, single submitter. Criteria: Invitae Variant Classification Sherloc (09022015). Collection method: clinical testing. Allele origin: germline.
Comment: This sequence change replaces isoleucine, which is neutral and non-polar, with phenylalanine, which is neutral and non-polar, at codon 4117 of the ALMS1 protein (p.Ile4117Phe). This variant is present in population databases (no rsID available, gnomAD 0.007%). This variant has not been reported in the literature in individuals affected with ALMS1-related conditions. Experimental studies and prediction algorithms are not available or were not evaluated, and the functional significance of this variant is currently unknown. In summary, the available evidence is currently insufficient to determine the role of this variant in disease. Therefore, it has been classified as a Variant of Uncertain Significance.